The following is an entry in ClinVar:

ClinVar aggregate classification (germline): Uncertain significance (1 of 4 stars; one submission).

Allele frequency attached by ClinVar (database versions not stated): gnomAD 0.00001; gnomAD exomes 0.00001; ExAC 0.00003.
gnomAD v4.1: 12 of 1,583,530 alleles (0.00076%); highest among the groups gnomAD compares: East Asian, 0.018%; no homozygotes.

Submission:

Labcorp Genetics (formerly Invitae), Labcorp
Classification: Uncertain significance. Last evaluated: 2022-09-06. Review status: criteria provided, single submitter. Criteria: Invitae Variant Classification Sherloc (09022015). Collection method: clinical testing. Allele origin: germline.
Comment: In summary, the available evidence is currently insufficient to determine the role of this variant in disease. Therefore, it has been classified as a Variant of Uncertain Significance. Algorithms developed to predict the effect of missense changes on protein structure and function (SIFT, PolyPhen-2, Align-GVGD) all suggest that this variant is likely to be tolerated. This variant has not been reported in the literature in individuals affected with CAPN1-related conditions. The frequency data for this variant in the population databases is considered unreliable, as metrics indicate poor data quality at this position in the gnomAD database. This sequence change replaces methionine, which is neutral and non-polar, with valine, which is neutral and non-polar, at codon 559 of the CAPN1 protein (p.Met559Val).

NM_005186.4(CAPN1):c.1675A>G (p.Met559Val)

Gene: CAPN1 (calpain 1; plus strand). Cytogenetic location: 11q13.1.
Variant type: single nucleotide variant.
Coding change: c.1675A>G on transcript NM_005186.4 (MANE Select); coding-DNA position 1675, A replaced by G.
Protein change: p.Met559Val; replaces methionine 559 with valine.
Molecular consequence: missense variant. On other transcripts: non-coding transcript variant (1).
Genome position (GRCh38, 1-based): chr11:65,208,208, A>G. VCF-style: chr11-65208208-A-G. GRCh37 (hg19) VCF-style: chr11-64975679-A-G.
Other names: c.1675A>G, p.Met559Val (NM_001198868.2, NM_001198869.2); c.1513A>G, p.Met505Val (NM_001198870.1); short protein forms M505V, M559V.
Identifiers: ClinVar variation 2108337 (VCV002108337.4), dbSNP rs746239609, ClinGen allele CA6093508.